The following is an entry in ClinVar:

NM_032638.5(GATA2):c.*100C>A

Gene: GATA2 (GATA binding protein 2; minus strand). Cytogenetic location: 3q21.3.
Variant type: single nucleotide variant.
Coding change: c.*100C>A on transcript NM_032638.5 (MANE Select); 100 bases downstream of the stop codon, C replaced by A.
Molecular consequence: 3 prime UTR variant.
Genome position (GRCh38, 1-based): chr3:128,480,919, G>T on the plus strand (C>A on the coding strand, the complement: GATA2 is on the minus strand). VCF-style: chr3-128480919-G-T. GRCh37 (hg19) VCF-style: chr3-128199762-G-T.
Other names: c.*100C>A (NM_001145661.2, NM_001145662.1).
Identifiers: ClinVar variation 2654110 (VCV002654110.24), dbSNP rs529564408, ClinGen allele CA83376119.

ClinVar aggregate classification (germline): Benign (1 of 4 stars; one submission).

Allele frequency attached by ClinVar (database versions not stated): 1000 Genomes Project 0.00120; 1000 Genomes Project 30x 0.00141; gnomAD 0.00144.
gnomAD v4.1: 480 of 1,346,240 alleles (0.036%); highest among the groups gnomAD compares: African/African-American, 0.5%; no homozygotes.

Submission:

CeGaT Center for Human Genetics Tuebingen
Classification: Benign. Last evaluated: 2022-10-01. Review status: criteria provided, single submitter. Criteria: CeGaT Center For Human Genetics Tuebingen Variant Classification Criteria Version 2. Collection method: clinical testing. Allele origin: germline. Affected: yes. Observed: 1 variant allele.
Comment: GATA2: BS1, BS2